The following is an entry in ClinVar:

NM_001291303.3(FAT4):c.9863T>G (p.Ile3288Arg)

Gene: FAT4 (FAT atypical cadherin 4; plus strand). Cytogenetic location: 4q28.1.
Variant type: single nucleotide variant.
Coding change: c.9863T>G on transcript NM_001291303.3 (MANE Select); coding-DNA position 9863, T replaced by G.
Protein change: p.Ile3288Arg; replaces isoleucine 3288 with arginine.
Molecular consequence: missense variant.
Genome position (GRCh38, 1-based): chr4:125,450,873, T>G. VCF-style: chr4-125450873-T-G. GRCh37 (hg19) VCF-style: chr4-126372028-T-G.
Other names: c.9863T>G, p.Ile3288Arg (NM_001291285.3); c.9857T>G, p.Ile3286Arg (NM_024582.6); short protein forms I3286R, I3288R.
Identifiers: ClinVar variation 1501575 (VCV001501575.6), dbSNP rs2126060060, ClinGen allele CA358156363.
Genomic context (GRCh38, chr4:125,450,873, plus strand): 5'-TTACTGTGAAAGCCTTCAATGTCCCCGATGAGGAAAGGTGTAGCTTTGCCACTGTTAATA[T>G]ACAATTAAAAGGGACAAATGAATATGTGCCCCGTTTTGTTTCCAAACTTTACTATTTTGA-3'
Protein context (NP_001278232.1, residues 3278-3298): EERCSFATVN[Ile3288Arg]QLKGTNEYVP

ClinVar aggregate classification (germline): Uncertain significance (1 of 4 stars; one submission).

Submission:

Labcorp Genetics (formerly Invitae), Labcorp
Classification: Uncertain significance. Last evaluated: 2022-06-03. Review status: criteria provided, single submitter. Criteria: Invitae Variant Classification Sherloc (09022015). Collection method: clinical testing. Allele origin: germline.
Comment: ClinVar contains an entry for this variant (Variation ID: 1501575). This variant has not been reported in the literature in individuals affected with FAT4-related conditions. This variant is not present in population databases (gnomAD no frequency). This sequence change replaces isoleucine, which is neutral and non-polar, with arginine, which is basic and polar, at codon 3286 of the FAT4 protein (p.Ile3286Arg). Advanced modeling of protein sequence and biophysical properties (such as structural, functional, and spatial information, amino acid conservation, physicochemical variation, residue mobility, and thermodynamic stability) performed at Invitae indicates that this missense variant is expected to disrupt FAT4 protein function. In summary, the available evidence is currently insufficient to determine the role of this variant in disease. Therefore, it has been classified as a Variant of Uncertain Significance. Algorithms developed to predict the effect of sequence changes on RNA splicing suggest that this variant may create or strengthen a splice site.